The following is an entry in ClinVar:

ClinVar aggregate classification (germline): Uncertain significance. Review status: criteria provided, multiple submitters, no conflicts (2 of 4 stars). 2 submissions from 2 submitters: Uncertain significance (2). Last evaluated 2026-02-11.

Conditions:
Inborn genetic diseases. Identifiers: MedGen C0950123, MeSH D030342.
Thrombocytopenia 2 (THC2). Also called: ANKRD26-Related Thrombocytopenia. Identifiers: Orphanet 268322, MedGen C1861185, MONDO:0008555, OMIM 188000.

gnomAD v4.1: 1 of 1,612,898 alleles (0.000062%); highest among the groups gnomAD compares: South Asian, 0.0011%; no homozygotes.

Submissions (2):

St. Jude Molecular Pathology, St. Jude Children's Research Hospital
Classification: Uncertain significance for Thrombocytopenia 2. Last evaluated: 2026-02-11. Review status: criteria provided, single submitter. Criteria: St. Jude Assertion Criteria 2020. Collection method: clinical testing. Allele origin: germline.
Comment: The ANKRD26 c.1531G>A p.(Gly511Arg) missense change is absent in gnomAD v2.1.1. This variant is not located in the 5Ã¢ € ™ UTR. The in silico tool REVEL predicts a benign effect on protein function, but to our knowledge this prediction has not been confirmed by functional studies. To our knowledge, this variant has not been reported in the literature in individuals with ANKRD26-related thrombocytopenia. In summary, the evidence currently available is insufficient to determine the clinical significance of this variant. It has therefore been classified as of uncertain significance.

Ambry Genetics
Classification: Uncertain significance for Inborn genetic diseases. Last evaluated: 2024-11-21. Review status: criteria provided, single submitter. Criteria: Ambry Variant Classification Scheme 2023. Collection method: clinical testing. Allele origin: germline.
Comment: The p.G511R variant (also known as c.1531G>A), located in coding exon 15 of the ANKRD26 gene, results from a G to A substitution at nucleotide position 1531. The glycine at codon 511 is replaced by arginine, an amino acid with dissimilar properties. This amino acid position is conserved. In addition, this alteration is predicted to be tolerated by in silico analysis. Based on the available evidence, the clinical significance of this variant remains unclear.

NM_014915.3(ANKRD26):c.1531G>A (p.Gly511Arg)

Gene: ANKRD26 (ankyrin repeat domain 26; minus strand). Cytogenetic location: 10p12.1.
Variant type: single nucleotide variant.
Coding change: c.1531G>A on transcript NM_014915.3 (MANE Select); coding-DNA position 1531, G replaced by A.
Protein change: p.Gly511Arg; replaces glycine 511 with arginine.
Molecular consequence: missense variant.
Genome position (GRCh38, 1-based): chr10:27,060,378, C>T on the plus strand (G>A on the coding strand, the complement: ANKRD26 is on the minus strand). VCF-style: chr10-27060378-C-T. GRCh37 (hg19) VCF-style: chr10-27349307-C-T.
Other names: c.1531G>A, p.Gly511Arg (NM_001256053.2); short protein forms G511R.
Identifiers: ClinVar variation 3396548 (VCV003396548.2).